The following is an entry in ClinVar:

NM_001927.4(DES):c.262C>A (p.Leu88Met)

Gene: DES (desmin; plus strand). Cytogenetic location: 2q35.
Variant type: single nucleotide variant.
Coding change: c.262C>A on transcript NM_001927.4 (MANE Select); coding-DNA position 262, C replaced by A.
Protein change: p.Leu88Met; replaces leucine 88 with methionine.
Molecular consequence: missense variant.
Genome position (GRCh38, 1-based): chr2:219,418,724, C>A. VCF-style: chr2-219418724-C-A. GRCh37 (hg19) VCF-style: chr2-220283446-C-A.
Other names: c.262C>A, p.Leu88Met (NM_001382708.1, NM_001382709.1, NM_001382710.1 and 3 more transcripts); short protein forms L88M.
Identifiers: ClinVar variation 4239720 (VCV004239720.2).

ClinVar aggregate classification (germline): Uncertain significance. Review status: criteria provided, multiple submitters, no conflicts (2 of 4 stars). 2 submissions from 2 submitters: Uncertain significance (2). Last evaluated 2025-11-25.

Conditions:
Cardiovascular phenotype. Identifiers: MedGen CN230736.
Desmin-related myofibrillar myopathy (MFM1). Also called: Myofibrillar myopathy 1; Desminopathy; Desmin related myopathy (former name); Desmin storage myopathy (former name); MYOFIBRILLAR MYOPATHY WITH ARRHYTHMOGENIC RIGHT VENTRICULAR CARDIOMYOPATHY; DESMIN-RELATED MYOPATHY WITH ARRHYTHMOGENIC RIGHT VENTRICULAR CARDIOMYOPATHY. Identifiers: Orphanet 363543, Orphanet 98909, MedGen C1832370, MONDO:0011076, OMIM 601419.

gnomAD v4.1: 16 of 1,563,084 alleles (0.001%); highest among the groups gnomAD compares: Non-Finnish European, 0.0013%; no homozygotes.

Submissions (2):

Labcorp Genetics (formerly Invitae), Labcorp
Classification: Uncertain significance for Desmin-related myofibrillar myopathy. Last evaluated: 2025-11-25. Review status: criteria provided, single submitter. Criteria: Invitae Variant Classification Sherloc (09022015). Collection method: clinical testing. Allele origin: germline.
Comment: This sequence change replaces leucine, which is neutral and non-polar, with methionine, which is neutral and non-polar, at codon 88 of the DES protein (p.Leu88Met). This variant is not present in population databases (gnomAD no frequency). This variant has not been reported in the literature in individuals affected with DES-related conditions. ClinVar contains an entry for this variant (Variation ID: 4239720). Invitae Evidence Modeling of protein sequence and biophysical properties (such as structural, functional, and spatial information, amino acid conservation, physicochemical variation, residue mobility, and thermodynamic stability) indicates that this missense variant is not expected to disrupt DES protein function with a negative predictive value of 80%. In summary, the available evidence is currently insufficient to determine the role of this variant in disease. Therefore, it has been classified as a Variant of Uncertain Significance.

Ambry Genetics
Classification: Uncertain significance for Cardiovascular phenotype. Last evaluated: 2025-08-03. Review status: criteria provided, single submitter. Criteria: Ambry Variant Classification Scheme 2023. Collection method: clinical testing. Allele origin: germline.
Comment: The p.L88M variant (also known as c.262C>A), located in coding exon 1 of the DES gene, results from a C to A substitution at nucleotide position 262. The leucine at codon 88 is replaced by methionine, an amino acid with highly similar properties. This amino acid position is conserved. In addition, this alteration is predicted to be tolerated by in silico analysis. Based on the available evidence, the clinical significance of this variant remains unclear.